The following is an entry in ClinVar:

ClinVar aggregate classification (germline): Uncertain significance. Review status: criteria provided, multiple submitters, no conflicts (2 of 4 stars). 2 submissions from 2 submitters: Uncertain significance (2). Last evaluated 2024-01-12.

Conditions:
Multiple epiphyseal dysplasia, Al-Gazali type. Also called: Macrocephaly with multiple epiphyseal dysplasia and distinctive facies. Identifiers: Orphanet 166024, MedGen C1846722, MONDO:0011778, OMIM 607131.
Acrocallosal syndrome (ACLS). Also called: HALLUX DUPLICATION, POSTAXIAL POLYDACTYLY, AND ABSENCE OF CORPUS CALLOSUM; Schinzel syndrome 1; Absence of corpus callosum with unusual facial appearance, mental deficiency, duplication of the halluces and polydactyly. Identifiers: Orphanet 36, MedGen C0796147, MONDO:0008708, OMIM 200990.
Hydrolethalus syndrome 2 (HLS2). Identifiers: Orphanet 2189, MedGen C3279899, MONDO:0013585, OMIM 614120.

Allele frequency attached by ClinVar (database versions not stated): TOPMed 0.00001; ExAC 0.00002; gnomAD 0.00002; gnomAD exomes 0.00002.
gnomAD v4.1: 30 of 1,605,808 alleles (0.0019%); highest among the groups gnomAD compares: East Asian, 0.0067%; no homozygotes.

Submissions (2):

Fulgent Genetics
Classification: Uncertain significance for Acrocallosal syndrome; Multiple epiphyseal dysplasia, Al-Gazali type; Hydrolethalus syndrome 2. Last evaluated: 2024-01-12. Review status: criteria provided, single submitter. Criteria: ACMG Guidelines, 2015. Collection method: clinical testing. Allele origin: germline.

Labcorp Genetics (formerly Invitae), Labcorp
Classification: Uncertain significance for Acrocallosal syndrome. Last evaluated: 2022-02-06. Review status: criteria provided, single submitter. Criteria: Invitae Variant Classification Sherloc (09022015). Collection method: clinical testing. Allele origin: germline.
Comment: This sequence change replaces arginine, which is basic and polar, with tryptophan, which is neutral and slightly polar, at codon 702 of the KIF7 protein (p.Arg702Trp). The frequency data for this variant in the population databases is considered unreliable, as metrics indicate poor data quality at this position in the gnomAD database. This variant has not been reported in the literature in individuals affected with KIF7-related conditions. ClinVar contains an entry for this variant (Variation ID: 933471). Algorithms developed to predict the effect of missense changes on protein structure and function are either unavailable or do not agree on the potential impact of this missense change (SIFT: "Deleterious"; PolyPhen-2: "Probably Damaging"; Align-GVGD: "Class C0"). In summary, the available evidence is currently insufficient to determine the role of this variant in disease. Therefore, it has been classified as a Variant of Uncertain Significance.

NM_198525.3(KIF7):c.2104C>T (p.Arg702Trp)

Gene: KIF7 (kinesin family member 7; minus strand). Cytogenetic location: 15q26.1.
Variant type: single nucleotide variant.
Coding change: c.2104C>T on transcript NM_198525.3 (MANE Select); coding-DNA position 2104, C replaced by T.
Protein change: p.Arg702Trp; replaces arginine 702 with tryptophan.
Molecular consequence: missense variant.
Genome position (GRCh38, 1-based): chr15:89,645,100, G>A on the plus strand (C>T on the coding strand, the complement: KIF7 is on the minus strand). VCF-style: chr15-89645100-G-A. GRCh37 (hg19) VCF-style: chr15-90188331-G-A.
Other names: short protein forms R702W.
Identifiers: ClinVar variation 933471 (VCV000933471.8), dbSNP rs781032745, ClinGen allele CA7728329.